The following is an entry in ClinVar:

ClinVar aggregate classification (germline): Uncertain significance (1 of 4 stars; one submission).

Submission:

Labcorp Genetics (formerly Invitae), Labcorp
Classification: Uncertain significance. Last evaluated: 2023-07-28. Review status: criteria provided, single submitter. Criteria: Invitae Variant Classification Sherloc (09022015). Collection method: clinical testing. Allele origin: germline.
Comment: This sequence change replaces aspartic acid, which is acidic and polar, with histidine, which is basic and polar, at codon 1381 of the CPLANE1 protein (p.Asp1381His). In summary, the available evidence is currently insufficient to determine the role of this variant in disease. Therefore, it has been classified as a Variant of Uncertain Significance. Advanced modeling of protein sequence and biophysical properties (such as structural, functional, and spatial information, amino acid conservation, physicochemical variation, residue mobility, and thermodynamic stability) performed at Invitae indicates that this missense variant is not expected to disrupt CPLANE1 protein function. ClinVar contains an entry for this variant (Variation ID: 2019142). This variant has not been reported in the literature in individuals affected with CPLANE1-related conditions. This variant is not present in population databases (gnomAD no frequency).

NM_001384732.1(CPLANE1):c.4141G>C (p.Asp1381His)

Gene: CPLANE1 (ciliogenesis and planar polarity effector complex subunit 1; minus strand). Cytogenetic location: 5p13.2.
Variant type: single nucleotide variant.
Coding change: c.4141G>C on transcript NM_001384732.1 (MANE Select); coding-DNA position 4141, G replaced by C.
Protein change: p.Asp1381His; replaces aspartic acid 1381 with histidine.
Molecular consequence: missense variant.
Genome position (GRCh38, 1-based): chr5:37,186,334, C>G on the plus strand (G>C on the coding strand, the complement: CPLANE1 is on the minus strand). VCF-style: chr5-37186334-C-G. GRCh37 (hg19) VCF-style: chr5-37186436-C-G.
Other names: c.4141G>C, p.Asp1381His (NM_023073.4); short protein forms D1381H.
Identifiers: ClinVar variation 2019142 (VCV002019142.4), dbSNP rs2547873338, ClinGen allele CA359503214.